The following is an entry in ClinVar:

ClinVar aggregate classification (germline): Likely pathogenic (1 of 4 stars; one submission).

Conditions:
Dilated cardiomyopathy 1G (CMD1G). Identifiers: Orphanet 154, MedGen C1858763, MONDO:0011400, OMIM 604145.

Submission:

CGC Genetics, Unilabs
Classification: Likely pathogenic for Dilated cardiomyopathy 1G. Last evaluated: 2025-12-19. Review status: criteria provided, single submitter. Criteria: ACMG Guidelines, 2015. Collection method: clinical testing. Allele origin: germline. Inheritance: Autosomal dominant inheritance. Affected: yes. Observed: 1 variant allele.
Comment: The NM_133378.4:c.9654C>A p.(Tyr3218*) variant, detected in heterozygosity in the TTN gene, has not been previously described in the literature or reported in the ClinVar and gnomAD v4.1.1 databases. This is a nonsense variant located in exon 41 (out of 312) that introduces a premature termination codon, and is predicted to result in a truncated protein and/or reduced expression due to nonsense-mediated mRNA decay. Based on the currently available evidence, this variant is classified as likely pathogenic.

NM_001267550.2(TTN):c.9654C>A (p.Tyr3218Ter)

Gene: TTN (titin; minus strand). Cytogenetic location: 2q31.2.
Variant type: single nucleotide variant.
Coding change: c.9654C>A on transcript NM_001267550.2 (MANE Select); coding-DNA position 9654, C replaced by A.
Protein change: p.Tyr3218Ter; replaces tyrosine 3218 with a stop codon.
Molecular consequence: nonsense.
Genome position (GRCh38, 1-based): chr2:178,766,430, G>T on the plus strand (C>A on the coding strand, the complement: TTN is on the minus strand). VCF-style: chr2-178766430-G-T. GRCh37 (hg19) VCF-style: chr2-179631157-G-T.
Other names: c.9654C>A, p.Tyr3218Ter (NM_001256850.1, NM_133378.4, NM_133379.5); c.9516C>A, p.Tyr3172Ter (NM_003319.4, NM_133432.3, NM_133437.4); short protein forms Y3172*, Y3218*.
Identifiers: ClinVar variation 4851606 (VCV004851606.1).